The following is an entry in ClinVar:

NM_000368.5(TSC1):c.391A>C (p.Thr131Pro)

Gene: TSC1 (TSC complex subunit 1; minus strand). Cytogenetic location: 9q34.13.
Variant type: single nucleotide variant.
Coding change: c.391A>C on transcript NM_000368.5 (MANE Select); coding-DNA position 391, A replaced by C.
Protein change: p.Thr131Pro; replaces threonine 131 with proline.
Molecular consequence: missense variant.
Genome position (GRCh38, 1-based): chr9:132,923,465, T>G on the plus strand (A>C on the coding strand, the complement: TSC1 is on the minus strand). VCF-style: chr9-132923465-T-G. GRCh37 (hg19) VCF-style: chr9-135798852-T-G.
Other names: c.391A>C, p.Thr131Pro (NM_001162426.2, NM_001406592.1, NM_001406593.1 and 16 more transcripts); c.238A>C, p.Thr80Pro (NM_001162427.2, NM_001406610.1, NM_001406611.1 and 2 more transcripts); c.28A>C, p.Thr10Pro (NM_001362177.2, NM_001406614.1, NM_001406615.1 and 10 more transcripts); c.-487A>C (NM_001406626.1, NM_001406627.1, NM_001406628.1); c.-629A>C (NM_001406629.1); c.-703A>C (NM_001406630.1); short protein forms T80P, T10P, T131P.
Identifiers: ClinVar variation 1736170 (VCV001736170.2), dbSNP rs1564499857, ClinGen allele CA375373655.

ClinVar aggregate classification (germline): Uncertain significance (1 of 4 stars; one submission).

Conditions:
Hereditary cancer-predisposing syndrome. Also called: Neoplastic Syndromes, Hereditary; Tumor predisposition; Hereditary Cancer Syndrome; Hereditary neoplastic syndrome. Identifiers: Orphanet 140162, MedGen C0027672, MeSH D009386, MONDO:0015356.

Submission:

Ambry Genetics
Classification: Uncertain significance for Hereditary cancer-predisposing syndrome. Last evaluated: 2018-12-26. Review status: criteria provided, single submitter. Criteria: Ambry Variant Classification Scheme 2023. Collection method: clinical testing. Allele origin: germline.
Comment: The p.T131P variant (also known as c.391A>C), located in coding exon 4 of the TSC1 gene, results from an A to C substitution at nucleotide position 391. The threonine at codon 131 is replaced by proline, an amino acid with highly similar properties. This amino acid position is highly conserved in available vertebrate species. In addition, this alteration is predicted to be deleterious by in silico analysis. Since supporting evidence is limited at this time, the clinical significance of this alteration remains unclear.